The following is an entry in ClinVar:

NM_001009944.3(PKD1):c.2854-11del

Gene: PKD1 (polycystin 1, transient receptor potential channel interacting; minus strand). Cytogenetic location: 16p13.3.
Variant type: Deletion.
Coding change: c.2854-11del on transcript NM_001009944.3 (MANE Select); 11 bases into the intron before coding-DNA position 2854, one base deleted (T; older notation c.2854-11delT).
Molecular consequence: intron variant.
Genome position (GRCh38, 1-based): chr16:2,113,303, A deleted on the plus strand (T on the coding strand, the reverse complement: PKD1 is on the minus strand); the first of 2 consecutive A bases (chr16:2,113,303-2,113,304); deleting either gives the same sequence. VCF-style (leftmost placement, unchanged base first): chr16-2113302-GA-G. GRCh37 (hg19) VCF-style: chr16-2163303-GA-G.
Other names: c.2854-11del (NM_000296.4); c.2854-11delT (NM_001009944.3).
Identifiers: ClinVar variation 3896562 (VCV003896562.2).

ClinVar aggregate classification (germline): Uncertain significance (1 of 4 stars; one submission).

Submission:

Women's Health and Genetics/Laboratory Corporation of America, LabCorp
Classification: Uncertain significance. Last evaluated: 2025-04-02. Review status: criteria provided, single submitter. Criteria: LabCorp Variant Classification Summary - May 2015. Collection method: clinical testing. Allele origin: germline.
Comment: Variant summary: PKD1 c.2854-11delT alters a non-conserved nucleotide located at a position not widely known to affect splicing. Several computational tools predict a significant impact on normal splicing: Three predict the variant weakens a 3' acceptor site. However, these predictions have yet to be confirmed by functional studies. The variant was absent in 207834 control chromosomes (gnomAD). The available data on variant occurrences in the general population are insufficient to allow any conclusion about variant significance. To our knowledge, no occurrence of c.2854-11delT in individuals affected with PKD1-Biallelic Autosomal Recessive Polycystic Kidney Disease and no experimental evidence demonstrating its impact on protein function have been reported. No submitters have cited clinical-significance assessments for this variant to ClinVar. Based on the evidence outlined above, the variant was classified as VUS-possibly benign.